The following is an entry in ClinVar:

NM_017617.5(NOTCH1):c.287C>T (p.Pro96Leu)

Gene: NOTCH1 (notch receptor 1; minus strand). Cytogenetic location: 9q34.3.
Variant type: single nucleotide variant.
Coding change: c.287C>T on transcript NM_017617.5 (MANE Select); coding-DNA position 287, C replaced by T.
Protein change: p.Pro96Leu; replaces proline 96 with leucine.
Molecular consequence: missense variant.
Genome position (GRCh38, 1-based): chr9:136,523,833, G>A on the plus strand (C>T on the coding strand, the complement: NOTCH1 is on the minus strand). VCF-style: chr9-136523833-G-A. GRCh37 (hg19) VCF-style: chr9-139418285-G-A.
Other names: short protein forms P96L.
Identifiers: ClinVar variation 1706967 (VCV001706967.3), dbSNP rs1050259961, ClinGen allele CA201590488.

ClinVar aggregate classification (germline): Uncertain significance. Review status: criteria provided, multiple submitters, no conflicts (2 of 4 stars). 2 submissions from 2 submitters: Uncertain significance (2). Last evaluated 2025-10-21.

Conditions:
Familial thoracic aortic aneurysm and aortic dissection (TAAD). Also called: Thoracic aortic aneurysms and dissections. Identifiers: Orphanet 91387, MedGen C4707243, MONDO:0019625.

Allele frequency attached by ClinVar (database versions not stated): gnomAD 0.00001; TOPMed 0.00001.
gnomAD v4.1: 4 of 1,611,854 alleles (0.00025%); highest among the groups gnomAD compares: African/African-American, 0.0027%; no homozygotes.

Submissions (2):

Ambry Genetics
Classification: Uncertain significance for Familial thoracic aortic aneurysm and aortic dissection. Last evaluated: 2025-10-21. Review status: criteria provided, single submitter. Criteria: Ambry Variant Classification Scheme 2023. Collection method: clinical testing. Allele origin: germline.

GeneDx
Classification: Uncertain significance. Last evaluated: 2022-09-23. Review status: criteria provided, single submitter. Criteria: GeneDx Variant Classification Process June 2021. Collection method: clinical testing. Allele origin: germline. Affected: yes.
Comment: Not observed at significant frequency in large population cohorts (gnomAD); In silico analysis supports that this missense variant does not alter protein structure/function; Has not been previously published as pathogenic or benign to our knowledge